The following is an entry in ClinVar:

NM_018706.7(DHTKD1):c.29G>T (p.Arg10Leu)

Gene: DHTKD1 (dehydrogenase E1 and transketolase domain containing 1; plus strand). Cytogenetic location: 10p14.
Variant type: single nucleotide variant.
Coding change: c.29G>T on transcript NM_018706.7 (MANE Select); coding-DNA position 29, G replaced by T.
Protein change: p.Arg10Leu; replaces arginine 10 with leucine.
Molecular consequence: missense variant.
Genome position (GRCh38, 1-based): chr10:12,069,062, G>T. VCF-style: chr10-12069062-G-T. GRCh37 (hg19) VCF-style: chr10-12111061-G-T.
Other names: short protein forms R10L.
Identifiers: ClinVar variation 4705389 (VCV004705389.1).

ClinVar aggregate classification (germline): Uncertain significance (1 of 4 stars; one submission).

Conditions:
2-aminoadipic 2-oxoadipic aciduria (AAKAD). Also called: ALPHA-AMINOADIPIC AND ALPHA-KETOADIPIC ACIDURIA; Aminoadipic aciduria. Identifiers: Orphanet 79154, MedGen C1859817, MONDO:0008774, OMIM 204750.

gnomAD v4.1: 9 of 1,613,020 alleles (0.00056%); highest among the groups gnomAD compares: Non-Finnish European, 0.00068%; no homozygotes.

Submission:

Labcorp Genetics (formerly Invitae), Labcorp
Classification: Uncertain significance for 2-aminoadipic 2-oxoadipic aciduria. Last evaluated: 2025-02-04. Review status: criteria provided, single submitter. Criteria: Invitae Variant Classification Sherloc (09022015). Collection method: clinical testing. Allele origin: germline.
Comment: This sequence change replaces arginine, which is basic and polar, with leucine, which is neutral and non-polar, at codon 10 of the DHTKD1 protein (p.Arg10Leu). The frequency data for this variant in the population databases is considered unreliable, as metrics indicate poor data quality at this position in the gnomAD database. This variant has not been reported in the literature in individuals affected with DHTKD1-related conditions. Experimental studies and prediction algorithms are not available or were not evaluated, and the functional significance of this variant is currently unknown. In summary, the available evidence is currently insufficient to determine the role of this variant in disease. Therefore, it has been classified as a Variant of Uncertain Significance.